The following is an entry in ClinVar:

NM_153704.6(TMEM67):c.991A>C (p.Lys331Gln)

Gene: TMEM67 (transmembrane protein 67; plus strand). Cytogenetic location: 8q22.1.
Variant type: single nucleotide variant.
Coding change: c.991A>C on transcript NM_153704.6 (MANE Select); coding-DNA position 991, A replaced by C.
Protein change: p.Lys331Gln; replaces lysine 331 with glutamine.
Molecular consequence: missense variant. On other transcripts: non-coding transcript variant (1).
Genome position (GRCh38, 1-based): chr8:93,781,670, A>C. VCF-style: chr8-93781670-A-C. GRCh37 (hg19) VCF-style: chr8-94793898-A-C.
Other names: c.748A>C, p.Lys250Gln (NM_001142301.1); c.991A>C (NM_153704.5); short protein forms K250Q, K331Q.
Identifiers: ClinVar variation 1398637 (VCV001398637.11), dbSNP rs769351856, ClinGen allele CA4807845.

ClinVar aggregate classification (germline): Uncertain significance. Review status: criteria provided, multiple submitters, no conflicts (2 of 4 stars). 5 submissions from 5 submitters: Uncertain significance (5). Last evaluated 2025-01-30.

Conditions:
Meckel syndrome, type 3 (MKS3). Also called: MECKEL-GRUBER SYNDROME, TYPE 3. Identifiers: Orphanet 564, MedGen C1846357, MONDO:0011821, OMIM 607361.
COACH syndrome 1. Identifiers: Orphanet 1454, MedGen C5435651, MONDO:0800103, OMIM 216360, MONDO:0008996.
Joubert syndrome 6 (JBTS6). Identifiers: Orphanet 475, MedGen C1853153, MONDO:0012539, OMIM 610688.
Bardet-Biedl syndrome 14 (BBS14). Identifiers: Orphanet 110, MedGen C2673874, MONDO:0014442, OMIM 615991.
RHYNS syndrome. Also called: RETINITIS PIGMENTOSA SYNDROME; RETINITIS PIGMENTOSA, HYPOPITUITARISM, NEPHRONOPHTHISIS, AND MILD SKELETAL DYSPLASIA. Identifiers: Orphanet 140976, MedGen C1865794, MONDO:0011202, OMIM 602152.
Nephronophthisis 11 (NPHP11). Identifiers: Orphanet 84081, MedGen C3150796, MONDO:0013302, OMIM 613550.
TMEM67-related disorder. Also called: TMEM67-related disorders; TMEM67-related condition. Identifiers: MedGen CN239423.
Inborn genetic diseases. Identifiers: MedGen C0950123, MeSH D030342.
Joubert syndrome. Also called: Familial aplasia of the vermis; JOUBERT-BOLTSHAUSER SYNDROME. Identifiers: Orphanet 475, MedGen C5979921, MONDO:0018772.
Meckel-Gruber syndrome. Also called: Dysencephalia splachnocystica; GRUBER SYNDROME; DYSENCEPHALIA SPLANCHNOCYSTICA. Identifiers: Orphanet 564, MedGen C0265215, MONDO:0018921.

Allele frequency attached by ClinVar (database versions not stated): ExAC 0.00001; gnomAD exomes 0.00001; gnomAD 0.00003 and 0.00004; TOPMed 0.00005.
gnomAD v4.1: 28 of 1,597,686 alleles (0.0018%); highest among the groups gnomAD compares: Middle Eastern, 0.085%; no homozygotes.

Submissions (5):

PreventionGenetics, part of Exact Sciences
Classification: Uncertain significance for TMEM67-related condition. Last evaluated: 2025-01-30. Review status: criteria provided, single submitter. Criteria: ACMG Guidelines, 2015. Collection method: clinical testing. Allele origin: germline.
Comment: The TMEM67 c.991A>C variant is predicted to result in the amino acid substitution p.Lys331Gln. To our knowledge, this variant has not been reported in the literature. This variant is reported in 0.012% of alleles in individuals of African descent in gnomAD. At this time, the clinical significance of this variant is uncertain due to the absence of conclusive functional and genetic evidence.

Blueprint Genetics
Classification: Uncertain significance. Last evaluated: 2024-11-08. Review status: criteria provided, single submitter. Criteria: ACMG Guidelines, 2015. Collection method: clinical testing. Allele origin: germline.

Ambry Genetics
Classification: Uncertain significance for Inborn genetic diseases. Last evaluated: 2024-05-23. Review status: criteria provided, single submitter. Criteria: Ambry Variant Classification Scheme 2023. Collection method: clinical testing. Allele origin: germline.

Labcorp Genetics (formerly Invitae), Labcorp
Classification: Uncertain significance for Joubert syndrome; Meckel-Gruber syndrome. Last evaluated: 2022-07-19. Review status: criteria provided, single submitter. Criteria: Invitae Variant Classification Sherloc (09022015). Collection method: clinical testing. Allele origin: germline.
Comment: This sequence change replaces lysine, which is basic and polar, with glutamine, which is neutral and polar, at codon 331 of the TMEM67 protein (p.Lys331Gln). This variant is present in population databases (rs769351856, gnomAD 0.008%). This variant has not been reported in the literature in individuals affected with TMEM67-related conditions. ClinVar contains an entry for this variant (Variation ID: 1398637). Advanced modeling of protein sequence and biophysical properties (such as structural, functional, and spatial information, amino acid conservation, physicochemical variation, residue mobility, and thermodynamic stability) performed at Invitae indicates that this missense variant is not expected to disrupt TMEM67 protein function. In summary, the available evidence is currently insufficient to determine the role of this variant in disease. Therefore, it has been classified as a Variant of Uncertain Significance.

Fulgent Genetics
Classification: Uncertain significance for COACH syndrome 1; RHYNS syndrome; Meckel syndrome, type 3; Joubert syndrome 6; Nephronophthisis 11; Bardet-Biedl syndrome 14. Last evaluated: 2021-12-04. Review status: criteria provided, single submitter. Criteria: ACMG Guidelines, 2015. Collection method: clinical testing. Allele origin: unknown.